The following is an entry in ClinVar:

NM_016306.6(DNAJB11):c.364C>T (p.Arg122Cys)

Gene: DNAJB11 (DnaJ heat shock protein family (Hsp40) member B11; plus strand). Cytogenetic location: 3q27.3.
Variant type: single nucleotide variant.
Coding change: c.364C>T on transcript NM_016306.6 (MANE Select); coding-DNA position 364, C replaced by T.
Protein change: p.Arg122Cys; replaces arginine 122 with cysteine.
Molecular consequence: missense variant. On other transcripts: non-coding transcript variant (5), intron variant (1).
Genome position (GRCh38, 1-based): chr3:186,577,708, C>T. VCF-style: chr3-186577708-C-T. GRCh37 (hg19) VCF-style: chr3-186295497-C-T.
Other names: c.323+1771C>T (NM_001378451.1); short protein forms R122C.
Identifiers: ClinVar variation 1525235 (VCV001525235.8), dbSNP rs2108479923, ClinGen allele CA355714181.

ClinVar aggregate classification (germline): Uncertain significance (1 of 4 stars; one submission).

Allele frequency attached by ClinVar (database versions not stated): gnomAD exomes below 0.00001.
gnomAD v4.1: 1 of 1,601,898 alleles (0.000062%); highest among the groups gnomAD compares: Non-Finnish European, 0.000085%; no homozygotes.

Submission:

Labcorp Genetics (formerly Invitae), Labcorp
Classification: Uncertain significance. Last evaluated: 2024-09-27. Review status: criteria provided, single submitter. Criteria: Invitae Variant Classification Sherloc (09022015). Collection method: clinical testing. Allele origin: germline.
Comment: This sequence change replaces arginine, which is basic and polar, with cysteine, which is neutral and slightly polar, at codon 122 of the DNAJB11 protein (p.Arg122Cys). This variant is not present in population databases (gnomAD no frequency). This variant has not been reported in the literature in individuals affected with DNAJB11-related conditions. ClinVar contains an entry for this variant (Variation ID: 1525235). Invitae Evidence Modeling of protein sequence and biophysical properties (such as structural, functional, and spatial information, amino acid conservation, physicochemical variation, residue mobility, and thermodynamic stability) indicates that this missense variant is not expected to disrupt DNAJB11 protein function with a negative predictive value of 80%. In summary, the available evidence is currently insufficient to determine the role of this variant in disease. Therefore, it has been classified as a Variant of Uncertain Significance.